The following is an entry in ClinVar:

NM_201384.3(PLEC):c.4082G>T (p.Arg1361Leu)

Gene: PLEC (plectin; minus strand). Cytogenetic location: 8q24.3.
Variant type: single nucleotide variant.
Coding change: c.4082G>T on transcript NM_201384.3 (MANE Select); coding-DNA position 4082, G replaced by T.
Protein change: p.Arg1361Leu; replaces arginine 1361 with leucine.
Molecular consequence: missense variant. On other transcripts: intron variant (1).
Genome position (GRCh38, 1-based): chr8:143,925,847, C>A on the plus strand (G>T on the coding strand, the complement: PLEC is on the minus strand). VCF-style: chr8-143925847-C-A. GRCh37 (hg19) VCF-style: chr8-145000015-C-A.
Other names: c.4163G>T, p.Arg1388Leu (NM_000445.5); c.4040G>T, p.Arg1347Leu (NM_201378.4); c.4016G>T, p.Arg1339Leu (NM_201379.3); c.4493G>T, p.Arg1498Leu (NM_201380.4); c.3986G>T, p.Arg1329Leu (NM_201381.3); c.4082G>T, p.Arg1361Leu (NM_201382.4); c.4094G>T, p.Arg1365Leu (NM_201383.3); c.4125+937G>T (NM_001410941.1); short protein forms R1339L, R1361L, R1388L, R1498L, R1329L, R1347L, R1365L.
Identifiers: ClinVar variation 2924087 (VCV002924087.3), dbSNP rs782605248, ClinGen allele CA372561417.
Genomic context (GRCh38, chr8:143,925,847, plus strand): 5'-TGGGCGTGCGCCTCGGCCAGCTGCCGCTGCTTCTCCAGCGCGGCCTCCACCTCGGCCAGC[C>A]GCTCGCGCTCCTCTGCCCGCTGCTGCTCAGCCAGCCTCTGTGGCCACAGCAGAGAGAAGA-3'
Protein context (NP_958786.1, residues 1351-1371): AEQQRAEERE[Arg1361Leu]LAEVEAALEK

ClinVar aggregate classification (germline): Uncertain significance (1 of 4 stars; one submission).

Conditions:
Epidermolysis bullosa simplex with nail dystrophy (EBS5D). Identifiers: MedGen C4225309, MONDO:0014661, OMIM 616487.
Epidermolysis bullosa simplex, Ogna type (EBS5A). Also called: EPIDERMOLYSIS BULLOSA SIMPLEX 5A, OGNA TYPE; Pidermolysis bullosa simplex 5A, Ogna type. Identifiers: Orphanet 79401, MedGen C0432317, MONDO:0007555, OMIM 131950.
Epidermolysis bullosa simplex 5C, with pyloric atresia (EBS5C). Also called: PLEC1-Related Epidermolysis Bullosa with Pyloric Atresia; PLEC-Related Epidermolysis Bullosa with Pyloric Atresia; Epidermolysis bullosa simplex with pyloric atresia. Identifiers: Orphanet 158684, MedGen C2677349, MONDO:0012807, OMIM 612138.
Autosomal recessive limb-girdle muscular dystrophy type 2Q (LGMDR17). Also called: MUSCULAR DYSTROPHY, LIMB-GIRDLE, AUTOSOMAL RECESSIVE 17. Identifiers: Orphanet 254361, MedGen C3150989, MONDO:0013390, OMIM 613723.
Epidermolysis bullosa simplex 5B, with muscular dystrophy (EBS5B). Also called: EPIDERMOLYSIS BULLOSA SIMPLEX AND LIMB-GIRDLE MUSCULAR DYSTROPHY; Epidermolysis bullosa simplex with muscular dystrophy. Identifiers: Orphanet 257, MedGen C2931072, MONDO:0009181, OMIM 226670.

gnomAD v4.1: 4 of 1,550,768 alleles (0.00026%); highest among the groups gnomAD compares: Non-Finnish European, 0.00035%; no homozygotes.

Submission:

Labcorp Genetics (formerly Invitae), Labcorp
Classification: Uncertain significance for Autosomal recessive limb-girdle muscular dystrophy type 2Q; Epidermolysis bullosa simplex, Ogna type; Epidermolysis bullosa simplex with nail dystrophy; Epidermolysis bullosa simplex 5C, with pyloric atresia; Epidermolysis bullosa simplex 5B, with muscular dystrophy. Last evaluated: 2023-10-18. Review status: criteria provided, single submitter. Criteria: Invitae Variant Classification Sherloc (09022015). Collection method: clinical testing. Allele origin: germline.
Comment: This sequence change replaces arginine, which is basic and polar, with leucine, which is neutral and non-polar, at codon 1388 of the PLEC protein (p.Arg1388Leu). The frequency data for this variant in the population databases is considered unreliable, as metrics indicate poor data quality at this position in the gnomAD database. This variant has not been reported in the literature in individuals affected with PLEC-related conditions. Advanced modeling of protein sequence and biophysical properties (such as structural, functional, and spatial information, amino acid conservation, physicochemical variation, residue mobility, and thermodynamic stability) performed at Invitae indicates that this missense variant is expected to disrupt PLEC protein function. In summary, the available evidence is currently insufficient to determine the role of this variant in disease. Therefore, it has been classified as a Variant of Uncertain Significance.